The following is an entry in ClinVar:

NM_001025603.2(RFX5):c.1185A>G (p.Gly395=)

Gene: RFX5 (regulatory factor X5; minus strand). Cytogenetic location: 1q21.3.
Variant type: single nucleotide variant.
Coding change: c.1185A>G on transcript NM_001025603.2 (MANE Select); coding-DNA position 1185, A replaced by G.
Protein change: p.Gly395=; no amino-acid change (glycine 395 retained).
Molecular consequence: synonymous variant.
Genome position (GRCh38, 1-based): chr1:151,342,852, T>C on the plus strand (A>G on the coding strand, the complement: RFX5 is on the minus strand). VCF-style: chr1-151342852-T-C. GRCh37 (hg19) VCF-style: chr1-151315328-T-C.
Other names: c.1185A>G, p.Gly395= (NM_000449.4, NM_001379412.1, NM_001379413.1 and 5 more transcripts); c.1065A>G, p.Gly355= (NM_001379419.1, NM_001379420.1).
Identifiers: ClinVar variation 471254 (VCV000471254.14), dbSNP rs372560621, ClinGen allele CA1089647.

ClinVar aggregate classification (germline): Likely benign. Review status: criteria provided, multiple submitters, no conflicts (2 of 4 stars). 3 submissions from 3 submitters: Likely benign (2). 1 of the submissions does not count toward it. Last evaluated 2026-01-07.

Conditions:
MHC class II deficiency. Also called: BLS, TYPE II; Bare lymphocyte syndrome 2. Identifiers: Orphanet 572, MedGen C5447452, MONDO:0008855.
RFX5-related disorder. Also called: RFX5-related condition.

Allele frequency attached by ClinVar (database versions not stated): gnomAD 0.00046 and 0.00048; gnomAD exomes 0.00062 and 0.00074; ExAC 0.00079; 1000 Genomes Project 30x 0.00016; 1000 Genomes Project 0.00020; TOPMed 0.00023; ESP Exome Variant Server 0.00031.
gnomAD v4.1: 969 of 1,614,086 alleles (0.06%); highest among the groups gnomAD compares: South Asian, 0.18%; 4 homozygotes.

Submissions (3):

Labcorp Genetics (formerly Invitae), Labcorp
Classification: Likely benign for MHC class II deficiency. Last evaluated: 2026-01-07. Review status: criteria provided, single submitter. Criteria: Invitae Variant Classification Sherloc (09022015). Collection method: clinical testing. Allele origin: germline.

Blueprint Genetics
Classification: Likely benign. Last evaluated: 2024-11-25. Review status: criteria provided, single submitter. Criteria: ACMG Guidelines, 2015. Collection method: clinical testing. Allele origin: germline.

PreventionGenetics, part of Exact Sciences
Classification: Likely benign for RFX5-related condition. Last evaluated: 2023-05-16. Review status: no assertion criteria provided. Collection method: clinical testing. Allele origin: germline. Not counted in ClinVar's aggregate classification.
Comment: This variant is classified as likely benign based on ACMG/AMP sequence variant interpretation guidelines (Richards et al. 2015 PMID: 25741868, with internal and published modifications).